The following is an entry in ClinVar:

NM_000361.3(THBD):c.308G>A (p.Gly103Glu)

Gene: THBD (thrombomodulin; minus strand). Cytogenetic location: 20p11.21.
Variant type: single nucleotide variant.
Coding change: c.308G>A on transcript NM_000361.3 (MANE Select); coding-DNA position 308, G replaced by A.
Protein change: p.Gly103Glu; replaces glycine 103 with glutamic acid.
Molecular consequence: missense variant.
Genome position (GRCh38, 1-based): chr20:23,049,197, C>T on the plus strand (G>A on the coding strand, the complement: THBD is on the minus strand). VCF-style: chr20-23049197-C-T. GRCh37 (hg19) VCF-style: chr20-23029834-C-T.
Other names: short protein forms G103E.
Identifiers: ClinVar variation 2629949 (VCV002629949.1), dbSNP rs2515205586, ClinGen allele CA408407962.

ClinVar aggregate classification (germline): Uncertain significance (1 of 4 stars; one submission).

Conditions:
THBD-related disorder. Also called: THBD-related condition.

Allele frequency attached by ClinVar (database versions not stated): gnomAD exomes below 0.00001.

Submission:

PreventionGenetics, part of Exact Sciences
Classification: Uncertain significance for THBD-related condition. Last evaluated: 2022-12-29. Review status: criteria provided, single submitter. Criteria: ACMG Guidelines, 2015. Collection method: clinical testing. Allele origin: germline.
Comment: The THBD c.308G>A variant is predicted to result in the amino acid substitution p.Gly103Glu. To our knowledge, this variant has not been reported in the literature or in a large population database, indicating this variant is rare. At this time, the clinical significance of this variant is uncertain due to the absence of conclusive functional and genetic evidence.